The following is an entry in ClinVar:

ClinVar aggregate classification (germline): Uncertain significance (1 of 4 stars; one submission).

Conditions:
FBRSL1-related disorder. Also called: FBRSL1-related condition.

gnomAD v4.1: 2 of 1,547,288 alleles (0.00013%); highest among the groups gnomAD compares: Admixed American, 0.002%; no homozygotes.

Submission:

PreventionGenetics, part of Exact Sciences
Classification: Uncertain significance for FBRSL1-related condition. Last evaluated: 2025-06-20. Review status: criteria provided, single submitter. Criteria: ACMG Guidelines, 2015. Collection method: clinical testing. Allele origin: germline.
Comment: The FBRSL1 c.1379T>C variant is predicted to result in the amino acid substitution p.Phe460Ser. To our knowledge, this variant has not been reported in the literature or in a large population database (gnomAD), indicating this variant is rare. At this time, the clinical significance of this variant is uncertain due to the absence of conclusive functional and genetic evidence.

NM_001367871.1(FBRSL1):c.1377+241T>C

Gene: FBRSL1 (fibrosin like 1; plus strand). Cytogenetic location: 12q24.33.
Variant type: single nucleotide variant.
Coding change: c.1377+241T>C on transcript NM_001367871.1 (MANE Select); 241 bases into the intron after coding-DNA position 1377, T replaced by C.
Molecular consequence: intron variant. On other transcripts: missense variant (2).
Genome position (GRCh38, 1-based): chr12:132,571,472, T>C. VCF-style: chr12-132571472-T-C. GRCh37 (hg19) VCF-style: chr12-133148058-T-C.
Other names: c.1379T>C, p.Phe460Ser (NM_001142641.2, NM_001382739.1); c.1213+932T>C (NM_001382740.1); short protein forms F460S.
Identifiers: ClinVar variation 4990053 (VCV004990053.1).
Genomic context (GRCh38, chr12:132,571,472, plus strand): 5'-ATCAGCACCAGCACACACACCAGCACACGCACCAACACACACACCAGCACCAACACACAT[T>C]CGCCCCCTTCCCCGCAGGGCTGCCCCCGACGCCGCCCGCCGCACCCCCGCCGGTGCGTAG-3'